The following is an entry in ClinVar:

ClinVar aggregate classification (germline): Benign (1 of 4 stars; one submission).

Conditions:
Spinocerebellar ataxia type 23 (SCA23). Identifiers: Orphanet 101108, MedGen C1853250, MONDO:0012449, OMIM 610245.

Allele frequency attached by ClinVar (database versions not stated): 1000 Genomes Project 0.01837; 1000 Genomes Project 30x 0.01968; TOPMed 0.02087.

Submission:

Illumina Laboratory Services, Illumina
Classification: Benign for Spinocerebellar ataxia type 23. Last evaluated: 2018-01-12. Review status: criteria provided, single submitter. Criteria: ICSL Variant Classification Criteria 13 December 2019. Collection method: clinical testing. Allele origin: germline.
Comment: This variant was observed in the ICSL laboratory as part of a predisposition screen in an ostensibly healthy population. It had not been previously curated by ICSL or reported in the Human Gene Mutation Database (HGMD: prior to June 1st, 2018), and was therefore a candidate for classification through an automated scoring system. Utilizing variant allele frequency, disease prevalence and penetrance estimates, and inheritance mode, an automated score was calculated to assess if this variant is too frequent to cause the disease. Based on the score and internal cut-off values, a variant classified as benign is not then subjected to further curation. The score for this variant resulted in a classification of benign for this disease.

NM_024411.5(PDYN):c.*1394C>A

Genes: PDYN (prodynorphin; minus strand), PDYN-AS1 (PDYN antisense RNA 1; plus strand). Cytogenetic location: 20p13.
Variant type: single nucleotide variant.
Coding change: c.*1394C>A on transcript NM_024411.5 (MANE Select); 1394 bases downstream of the stop codon, C replaced by A.
Molecular consequence: 3 prime UTR variant.
Genome position (GRCh38, 1-based): chr20:1,978,929, G>T on the plus strand (C>A on the coding strand, the complement: PDYN is on the minus strand). VCF-style: chr20-1978929-G-T. GRCh37 (hg19) VCF-style: chr20-1959575-G-T.
Other names: c.*1394C>A (NM_001190892.1, NM_001190898.3, NM_001190899.2 and 1 more transcripts).
Identifiers: ClinVar variation 337809 (VCV000337809.5), dbSNP rs112661575, ClinGen allele CA10652969.